The following is an entry in ClinVar:

NM_014159.7(SETD2):c.4449_4452delAGAA (p.Lys1486fs)

Gene: SETD2 (SET domain containing 2, histone lysine methyltransferase; minus strand). Cytogenetic location: 3p21.31.
Variant type: Deletion.
Coding change: c.4449_4452delAGAA on transcript NM_014159.7 (MANE Select); coding-DNA positions 4449 to 4452, AGAA deleted.
Protein change: p.Lys1486fs; shifts the reading frame from lysine 1486.
Molecular consequence: frameshift variant. On other transcripts: non-coding transcript variant (1).
Genome position: GRCh38 VCF-style: chr3-47120181-CCTTT-C. GRCh37 (hg19) VCF-style: chr3-47161671-CCTTT-C.
Other names: c.4317_4320delAGAA, p.Lys1442fs (NM_001349370.3); short protein forms K1442fs, K1486fs.
Identifiers: ClinVar variation 4723773 (VCV004723773.1).

ClinVar aggregate classification (germline): Pathogenic (1 of 4 stars; one submission).

Conditions:
Luscan-Lumish syndrome. Identifiers: Orphanet 597738, MedGen C4085873, MONDO:0014791, OMIM 616831.

Submission:

Labcorp Genetics (formerly Invitae), Labcorp
Classification: Pathogenic for Luscan-Lumish syndrome. Last evaluated: 2025-07-22. Review status: criteria provided, single submitter. Criteria: Invitae Variant Classification Sherloc (09022015). Collection method: clinical testing. Allele origin: germline.
Comment: This sequence change creates a premature translational stop signal (p.Lys1486Argfs*28) in the SETD2 gene. It is expected to result in an absent or disrupted protein product. Loss-of-function variants in SETD2 are known to be pathogenic (PMID: 24852293, 26084711). This variant is not present in population databases (gnomAD no frequency). This variant has not been reported in the literature in individuals affected with SETD2-related conditions. Algorithms developed to predict the effect of sequence changes on RNA splicing suggest that this variant may disrupt the consensus splice site. For these reasons, this variant has been classified as Pathogenic.

Literature cited by the submitters: PubMed 24852293; PubMed 26084711.